The following is an entry in ClinVar:

ClinVar aggregate classification (germline): Uncertain significance. Review status: criteria provided, multiple submitters, no conflicts (2 of 4 stars). 2 submissions from 2 submitters: Uncertain significance (2). Last evaluated 2019-03-16.

Conditions:
Hereditary cancer-predisposing syndrome. Also called: Hereditary Cancer Syndrome; Neoplastic Syndromes, Hereditary; Tumor predisposition; Hereditary neoplastic syndrome. Identifiers: Orphanet 140162, MedGen C0027672, MeSH D009386, MONDO:0015356.
Familial adenomatous polyposis 1 (FAP1). Also called: POLYPOSIS, ADENOMATOUS INTESTINAL; FAMILIAL ADENOMATOUS POLYPOSIS 1, ATTENUATED. Identifiers: MedGen C2713442, MONDO:0021056, OMIM 175100. Disease mechanism: loss of function.

Submissions (2):

Color Diagnostics, LLC DBA Color Health
Classification: Uncertain significance for Hereditary cancer-predisposing syndrome. Last evaluated: 2019-03-16. Review status: criteria provided, single submitter. Criteria: ACMG Guidelines, 2015. Collection method: clinical testing. Allele origin: germline.

Labcorp Genetics (formerly Invitae), Labcorp
Classification: Uncertain significance for Familial adenomatous polyposis 1. Last evaluated: 2018-03-15. Review status: criteria provided, single submitter. Criteria: Invitae Variant Classification Sherloc (09022015). Collection method: clinical testing. Allele origin: germline.
Comment: This sequence change replaces aspartic acid with valine at codon 432 of the APC protein (p.Asp432Val). The aspartic acid residue is highly conserved and there is a large physicochemical difference between aspartic acid and valine. This variant is not present in population databases (ExAC no frequency). This variant has not been reported in the literature in individuals with APC-related disease. ClinVar contains an entry for this variant (Variation ID: 490191). Algorithms developed to predict the effect of missense changes on protein structure and function do not agree on the potential impact of this missense change (SIFT: "Deleterious"; PolyPhen-2: "Benign"; Align-GVGD: "Class C15"). In summary, the available evidence is currently insufficient to determine the role of this variant in disease. Therefore, it has been classified as a Variant of Uncertain Significance.

NM_000038.6(APC):c.1295A>T (p.Asp432Val)

Gene: APC (APC regulator of Wnt signaling pathway; plus strand). Cytogenetic location: 5q22.2.
Variant type: single nucleotide variant.
Coding change: c.1295A>T on transcript NM_000038.6 (MANE Select); coding-DNA position 1295, A replaced by T.
Protein change: p.Asp432Val; replaces aspartic acid 432 with valine.
Molecular consequence: missense variant.
Genome position (GRCh38, 1-based): chr5:112,819,327, A>T. VCF-style: chr5-112819327-A-T. GRCh37 (hg19) VCF-style: chr5-112155024-A-T.
Other names: c.1295A>T, p.Asp432Val (NM_001127510.3, NM_001354895.2, NM_001354896.2); c.1241A>T, p.Asp414Val (NM_001127511.3); c.1325A>T, p.Asp442Val (NM_001354897.2); c.1220A>T, p.Asp407Val (NM_001354898.2); c.1211A>T, p.Asp404Val (NM_001354899.2); c.1118A>T, p.Asp373Val (NM_001354900.2, NM_001354901.2); c.1022A>T, p.Asp341Val (NM_001354902.2); c.992A>T, p.Asp331Val (NM_001354903.2); and 3 more; short protein forms D414V, D432V, D341V, D442V, D272V, D306V, D404V, D407V.
Identifiers: ClinVar variation 490191 (VCV000490191.13), dbSNP rs786202283, ClinGen allele CA16024142.